The following is an entry in ClinVar:

ClinVar aggregate classification (germline): Uncertain significance. Review status: criteria provided, multiple submitters, no conflicts (2 of 4 stars). 2 submissions from 2 submitters: Uncertain significance (2). Last evaluated 2024-12-16.

Allele frequency attached by ClinVar (database versions not stated): gnomAD 0.00001; gnomAD exomes 0.00003 and 0.00006; ExAC 0.00007.
gnomAD v4.1: 46 of 1,613,712 alleles (0.0029%); highest among the groups gnomAD compares: South Asian, 0.048%; no homozygotes.

Submissions (2):

Labcorp Genetics (formerly Invitae), Labcorp
Classification: Uncertain significance. Last evaluated: 2024-12-16. Review status: criteria provided, single submitter. Criteria: Invitae Variant Classification Sherloc (09022015). Collection method: clinical testing. Allele origin: germline.
Comment: This sequence change replaces glycine, which is neutral and non-polar, with serine, which is neutral and polar, at codon 312 of the RTN4IP1 protein (p.Gly312Ser). This variant is present in population databases (rs758318370, gnomAD 0.05%). This variant has not been reported in the literature in individuals affected with RTN4IP1-related conditions. ClinVar contains an entry for this variant (Variation ID: 1513879). Invitae Evidence Modeling of protein sequence and biophysical properties (such as structural, functional, and spatial information, amino acid conservation, physicochemical variation, residue mobility, and thermodynamic stability) indicates that this missense variant is not expected to disrupt RTN4IP1 protein function with a negative predictive value of 80%. In summary, the available evidence is currently insufficient to determine the role of this variant in disease. Therefore, it has been classified as a Variant of Uncertain Significance.

Blueprint Genetics
Classification: Uncertain significance. Last evaluated: 2023-12-21. Review status: criteria provided, single submitter. Criteria: ACMG Guidelines, 2015. Collection method: clinical testing. Allele origin: germline.

NM_032730.5(RTN4IP1):c.934G>A (p.Gly312Ser)

Gene: RTN4IP1 (reticulon 4 interacting protein 1; minus strand). Cytogenetic location: 6q21.
Variant type: single nucleotide variant.
Coding change: c.934G>A on transcript NM_032730.5 (MANE Select); coding-DNA position 934, G replaced by A.
Protein change: p.Gly312Ser; replaces glycine 312 with serine.
Molecular consequence: missense variant.
Genome position (GRCh38, 1-based): chr6:106,587,735, C>T on the plus strand (G>A on the coding strand, the complement: RTN4IP1 is on the minus strand). VCF-style: chr6-106587735-C-T. GRCh37 (hg19) VCF-style: chr6-107035610-C-T.
Other names: c.634G>A, p.Gly212Ser (NM_001318746.1); short protein forms G212S, G312S.
Identifiers: ClinVar variation 1513879 (VCV001513879.6), dbSNP rs758318370, ClinGen allele CA3944332.
Genomic context (GRCh38, chr6:106,587,735, plus strand): 5'-CTACCTTTAATGCCTTTGAACCTACAGTGACTCCTGTCTGCAACATGCCATCTGCTATGC[C>T]CAATCGGTCCATGTTCAGGAGGAAAGGAGTCACCAAAGTCACATAGGTGGCTCCTGACCA-3'
Protein context (NP_116119.2, residues 302-322): TPFLLNMDRL[Gly312Ser]IADGMLQTGV